The following is an entry in ClinVar:

NC_000008.10:g.(?_100711743)_(100733285_?)del

Gene: VPS13B (vacuolar protein sorting 13 homolog B; plus strand). Cytogenetic location: 8q22.2.
Variant type: Deletion.
Identifiers: ClinVar variation 3245456 (VCV003245456.1).

ClinVar aggregate classification (germline): Pathogenic (1 of 4 stars; one submission).

Conditions:
Cohen syndrome (COH1). Also called: Cutis verticis gyrata, retinitis pigmentosa, and sensorineural deafness; PEPPER SYNDROME. Identifiers: Orphanet 193, MedGen C0265223, MONDO:0008999, OMIM 216550.

Submission:

Labcorp Genetics (formerly Invitae), Labcorp
Classification: Pathogenic for Cohen syndrome. Last evaluated: 2022-09-15. Review status: criteria provided, single submitter. Criteria: Invitae Variant Classification Sherloc (09022015). Collection method: clinical testing. Allele origin: unknown.
Comment: For these reasons, this variant has been classified as Pathogenic. This variant has not been reported in the literature in individuals affected with VPS13B-related conditions. This variant is a gross deletion of the genomic region encompassing exon(s) 36-39 of the VPS13B gene. This deletion is out-of-frame, and is expected to create a premature termination codon and result in an absent or disrupted protein product. Loss-of-function variants in VPS13B are known to be pathogenic (PMID: 15141358, 16648375, 20461111).

Literature cited by the submitters: PubMed 15141358; PubMed 16648375; PubMed 20461111.